The following is an entry in ClinVar:

ClinVar aggregate classification (germline): Conflicting classifications of pathogenicity. Review status: criteria provided, conflicting classifications (1 of 4 stars). 3 submissions from 3 submitters: Uncertain significance (2); Benign (1). Last evaluated 2024-10-06.

Conditions:
Primary ciliary dyskinesia. Also called: Ciliary dyskinesia. Identifiers: Orphanet 244, MedGen C0008780, MONDO:0016575, HP:0012265.

Allele frequency attached by ClinVar (database versions not stated): 1000 Genomes Project 0.00020; 1000 Genomes Project 30x 0.00031; gnomAD 0.00004; ExAC 0.00005.
gnomAD v4.1: 37 of 1,612,592 alleles (0.0023%); highest among the groups gnomAD compares: East Asian, 0.033%; no homozygotes.

Submissions (3):

Labcorp Genetics (formerly Invitae), Labcorp
Classification: Benign for Primary ciliary dyskinesia. Last evaluated: 2024-10-06. Review status: criteria provided, single submitter. Criteria: Invitae Variant Classification Sherloc (09022015). Collection method: clinical testing. Allele origin: germline.

Molecular Genetics McLendon Clinical Laboratories, University of North Carolina at Chapel Hill
Classification: Uncertain significance for Primary ciliary dyskinesia. Last evaluated: 2023-05-03. Review status: criteria provided, single submitter. Criteria: ACMG Guidelines, 2015. Collection method: clinical testing. Allele origin: germline.

Ambry Genetics
Classification: Uncertain significance for Primary ciliary dyskinesia. Last evaluated: 2022-06-30. Review status: criteria provided, single submitter. Criteria: Ambry Variant Classification Scheme 2023. Collection method: clinical testing. Allele origin: germline.
Comment: The p.L1009V variant (also known as c.3025C>G), located in coding exon 16 of the DNAH11 gene, results from a C to G substitution at nucleotide position 3025. The leucine at codon 1009 is replaced by valine, an amino acid with highly similar properties. This alteration was detected alongside a second DNAH11 alteration in an individual with primary ciliary dyskinesia (PCD); however, phase information was not provided (Guan Y et al. Chest, 2021 05;159:1768-1781). This amino acid position is highly conserved in available vertebrate species. In addition, this alteration is predicted to be tolerated by in silico analysis. Since supporting evidence is limited at this time, the clinical significance of this alteration remains unclear.

Literature cited by the submitters: PubMed 33577779 (cited by Ambry Genetics).

NM_001277115.2(DNAH11):c.3025C>G (p.Leu1009Val)

Genes: DNAH11 (dynein axonemal heavy chain 11; plus strand), LOC126859961 (BRD4-independent group 4 enhancer GRCh37_chr7:21639662-21640861; plus strand). Cytogenetic location: 7p15.3.
Variant type: single nucleotide variant.
Coding change: c.3025C>G on transcript NM_001277115.2 (MANE Select); coding-DNA position 3025, C replaced by G.
Protein change: p.Leu1009Val; replaces leucine 1009 with valine.
Molecular consequence: missense variant.
Genome position (GRCh38, 1-based): chr7:21,600,700, C>G. VCF-style: chr7-21600700-C-G. GRCh37 (hg19) VCF-style: chr7-21640318-C-G.
Other names: c.3025C>G, p.Leu1009Val (NM_003777.3); short protein forms L1009V.
Identifiers: ClinVar variation 1798958 (VCV001798958.6), dbSNP rs542059067, ClinGen allele CA4179515.